The following is an entry in ClinVar:

NM_198428.3(BBS9):c.688G>A (p.Gly230Arg)

Gene: BBS9 (Bardet-Biedl syndrome 9; plus strand). Cytogenetic location: 7p14.3.
Variant type: single nucleotide variant.
Coding change: c.688G>A on transcript NM_198428.3 (MANE Select); coding-DNA position 688, G replaced by A.
Protein change: p.Gly230Arg; replaces glycine 230 with arginine.
Molecular consequence: missense variant. On other transcripts: non-coding transcript variant (3).
Genome position (GRCh38, 1-based): chr7:33,264,360, G>A. VCF-style: chr7-33264360-G-A. GRCh37 (hg19) VCF-style: chr7-33303972-G-A.
Other names: c.688G>A, p.Gly230Arg (NM_001033604.2, NM_001033605.2, NM_001348036.1 and 5 more transcripts); c.322G>A, p.Gly108Arg (NM_001348037.3, NM_001348044.3, NM_001348045.3 and 1 more transcripts); c.415G>A, p.Gly139Arg (NM_001348038.3, NM_001348039.3); c.553G>A, p.Gly185Arg (NM_001348042.3); short protein forms G185R, G230R, G108R, G139R.
Identifiers: ClinVar variation 934064 (VCV000934064.8), dbSNP rs1798450904, ClinGen allele CA367253629.

ClinVar aggregate classification (germline): Uncertain significance. Review status: criteria provided, multiple submitters, no conflicts (2 of 4 stars). 2 submissions from 2 submitters: Uncertain significance (2). Last evaluated 2024-02-03.

Conditions:
Bardet-Biedl syndrome 9 (BBS9). Identifiers: Orphanet 110, MedGen C1859567, MONDO:0014437, OMIM 615986.
Bardet-Biedl syndrome (BBS). Identifiers: Orphanet 110, MedGen C0752166, MONDO:0015229.

Submissions (2):

Fulgent Genetics
Classification: Uncertain significance for Bardet-Biedl syndrome 9. Last evaluated: 2024-02-03. Review status: criteria provided, single submitter. Criteria: ACMG Guidelines, 2015. Collection method: clinical testing. Allele origin: germline.

Labcorp Genetics (formerly Invitae), Labcorp
Classification: Uncertain significance for Bardet-Biedl syndrome. Last evaluated: 2022-07-04. Review status: criteria provided, single submitter. Criteria: Invitae Variant Classification Sherloc (09022015). Collection method: clinical testing. Allele origin: germline.
Comment: In summary, the available evidence is currently insufficient to determine the role of this variant in disease. Therefore, it has been classified as a Variant of Uncertain Significance. Algorithms developed to predict the effect of sequence changes on RNA splicing suggest that this variant may disrupt the consensus splice site. Algorithms developed to predict the effect of missense changes on protein structure and function (SIFT, PolyPhen-2, Align-GVGD) all suggest that this variant is likely to be disruptive. ClinVar contains an entry for this variant (Variation ID: 934064). This variant has not been reported in the literature in individuals affected with BBS9-related conditions. This variant is not present in population databases (gnomAD no frequency). This sequence change replaces glycine, which is neutral and non-polar, with arginine, which is basic and polar, at codon 230 of the BBS9 protein (p.Gly230Arg).